The following is an entry in ClinVar:

ClinVar aggregate classification (germline): Likely benign. Review status: criteria provided, single submitter (1 of 4 stars). 2 submissions from 2 submitters: Likely benign (1). 1 of the submissions does not count toward it. Last evaluated 2023-03-23.

Conditions:
Hereditary cancer-predisposing syndrome. Also called: Neoplastic Syndromes, Hereditary; Hereditary Cancer Syndrome; Tumor predisposition; Hereditary neoplastic syndrome. Identifiers: Orphanet 140162, MedGen C0027672, MeSH D009386, MONDO:0015356.

Submissions (2):

University of Washington Department of Laboratory Medicine, University of Washington
Classification: Likely benign for Hereditary cancer-predisposing syndrome. Last evaluated: 2023-03-23. Review status: criteria provided, single submitter. Criteria: Dines et al. (Genet Med. 2020). Collection method: curation. Allele origin: germline.
Comment: Missense variant in a coldspot region where missense variants are very unlikely to be pathogenic (PMID:31911673).

BRCA2 exon 11 coldspot. Reclassification based on statistical prior probability.

Mayo Clinic Laboratories, Mayo Clinic
Classification: Uncertain significance. Last evaluated: 2018-02-09. Review status: no assertion criteria provided. Collection method: clinical testing. Allele origin: unknown. Not counted in ClinVar's aggregate classification.

NM_000059.4(BRCA2):c.3858A>T (p.Lys1286Asn)

Gene: BRCA2 (BRCA2 DNA repair associated; plus strand). Cytogenetic location: 13q13.1.
Variant type: single nucleotide variant.
Coding change: c.3858A>T on transcript NM_000059.4 (MANE Select); coding-DNA position 3858, A replaced by T.
Protein change: p.Lys1286Asn; replaces lysine 1286 with asparagine.
Molecular consequence: missense variant.
Genome position (GRCh38, 1-based): chr13:32,338,213, A>T. VCF-style: chr13-32338213-A-T. GRCh37 (hg19) VCF-style: chr13-32912350-A-T.
Other names: short protein forms K1286N.
Identifiers: ClinVar variation 545614 (VCV000545614.6), dbSNP rs1555283430, ClinGen allele CA387778648.
Genomic context (GRCh38, chr13:32,338,213, plus strand): 5'-TGATTCTGTTGTTTCAATGTTTAAGATAGAAAATCATAATGATAAAACTGTAAGTGAAAA[A>T]AATAATAAATGCCAACTGATATTACAAAATAATATTGAAATGACTACTGGCACTTTTGTT-3'
Protein context (NP_000050.3, residues 1276-1296): ENHNDKTVSE[Lys1286Asn]NNKCQLILQN